The following is an entry in ClinVar:

ClinVar aggregate classification (germline): Uncertain significance (1 of 4 stars; one submission).

Conditions:
Hyper-IgE recurrent infection syndrome 3, autosomal recessive. Also called: Autosomal recessive hyper-IgE syndrome due to ZNF341 deficiency; HYPER-IgE SYNDROME 3, AUTOSOMAL RECESSIVE, WITH RECURRENT INFECTIONS. Identifiers: Orphanet 641368, MedGen C4748969, MONDO:0032654, OMIM 618282.

gnomAD v4.1: 26 of 1,613,938 alleles (0.0016%); highest among the groups gnomAD compares: Admixed American, 0.0033%; no homozygotes.

Submission:

Labcorp Genetics (formerly Invitae), Labcorp
Classification: Uncertain significance for Combined immunodeficiency due to DOCK8 deficiency. Last evaluated: 2024-01-29. Review status: criteria provided, single submitter. Criteria: Invitae Variant Classification Sherloc (09022015). Collection method: clinical testing. Allele origin: germline.
Comment: This sequence change replaces valine, which is neutral and non-polar, with isoleucine, which is neutral and non-polar, at codon 998 of the DOCK8 protein (p.Val998Ile). This variant is present in population databases (rs751201571, gnomAD 0.008%), including at least one homozygous and/or hemizygous individual. This variant has not been reported in the literature in individuals affected with DOCK8-related conditions. ClinVar contains an entry for this variant (Variation ID: 1356292). Advanced modeling of protein sequence and biophysical properties (such as structural, functional, and spatial information, amino acid conservation, physicochemical variation, residue mobility, and thermodynamic stability) performed at Invitae indicates that this missense variant is not expected to disrupt DOCK8 protein function with a negative predictive value of 80%. In summary, the available evidence is currently insufficient to determine the role of this variant in disease. Therefore, it has been classified as a Variant of Uncertain Significance.

NM_203447.4(DOCK8):c.2992G>A (p.Val998Ile)

Gene: DOCK8 (dedicator of cytokinesis 8; plus strand). Cytogenetic location: 9p24.3.
Variant type: single nucleotide variant.
Coding change: c.2992G>A on transcript NM_203447.4 (MANE Select); coding-DNA position 2992, G replaced by A.
Protein change: p.Val998Ile; replaces valine 998 with isoleucine.
Molecular consequence: missense variant.
Genome position (GRCh38, 1-based): chr9:396,806, G>A. VCF-style: chr9-396806-G-A. GRCh37 (hg19) VCF-style: chr9-396806-G-A.
Other names: c.2692G>A, p.Val898Ile (NM_001190458.2); c.2788G>A, p.Val930Ile (NM_001193536.2); short protein forms V998I, V898I, V930I.
Identifiers: ClinVar variation 1356292 (VCV001356292.4), dbSNP rs751201571, ClinGen allele CA4958461.
Genomic context (GRCh38, chr9:396,806, plus strand): 5'-CAATCTCCATGTTGACATTTCCTCCATCCCCCTCCGCAGGTGAAAAGCATGGCCCAGCAC[G>A]TACATAACATGGACAAACGGGACAGTTTTCGGAGGACTCGTTTTTCTGACCGTTTCATGG-3'
Protein context (NP_982272.2, residues 988-1008): ELLVKSMAQH[Val998Ile]HNMDKRDSFR